The following is an entry in ClinVar:

ClinVar aggregate classification (germline): Uncertain significance. Review status: criteria provided, multiple submitters, no conflicts (2 of 4 stars). 2 submissions from 2 submitters: Uncertain significance (2). Last evaluated 2022-05-16.

Conditions:
Familial cancer of breast. Also called: Hereditary breast cancer; hereditary breast carcinoma; BREAST CANCER, FAMILIAL. Identifiers: Orphanet 227535, MedGen C0346153, MONDO:0016419, OMIM 114480. Disease mechanism: loss of function.
Fanconi anemia complementation group J. Also called: BRIP1-Related Fanconi Anemia. Identifiers: Orphanet 84, MedGen C1836860, MONDO:0012187, OMIM 609054.
Hereditary cancer-predisposing syndrome. Also called: Hereditary Cancer Syndrome; Neoplastic Syndromes, Hereditary; Hereditary neoplastic syndrome; Tumor predisposition. Identifiers: Orphanet 140162, MedGen C0027672, MeSH D009386, MONDO:0015356.

Submissions (2):

Ambry Genetics
Classification: Uncertain significance for Hereditary cancer-predisposing syndrome. Last evaluated: 2022-05-16. Review status: criteria provided, single submitter. Criteria: Ambry Variant Classification Scheme 2023. Collection method: clinical testing. Allele origin: germline.
Comment: The p.W816C variant (also known as c.2448G>T), located in coding exon 16 of the BRIP1 gene, results from a G to T substitution at nucleotide position 2448. The tryptophan at codon 816 is replaced by cysteine, an amino acid with highly dissimilar properties. This amino acid position is highly conserved in available vertebrate species. In addition, this alteration is predicted to be deleterious by in silico analysis. Since supporting evidence is limited at this time, the clinical significance of this alteration remains unclear.

Labcorp Genetics (formerly Invitae), Labcorp
Classification: Uncertain significance for Familial cancer of breast; Fanconi anemia complementation group J. Last evaluated: 2020-07-27. Review status: criteria provided, single submitter. Criteria: Invitae Variant Classification Sherloc (09022015). Collection method: clinical testing. Allele origin: germline.
Comment: In summary, the available evidence is currently insufficient to determine the role of this variant in disease. Therefore, it has been classified as a Variant of Uncertain Significance. Algorithms developed to predict the effect of missense changes on protein structure and function (SIFT, PolyPhen-2, Align-GVGD) all suggest that this variant is likely to be disruptive, but these predictions have not been confirmed by published functional studies and their clinical significance is uncertain. This variant has not been reported in the literature in individuals with BRIP1-related conditions. ClinVar contains an entry for this variant (Variation ID: 821295). This variant is not present in population databases (ExAC no frequency). This sequence change replaces tryptophan with cysteine at codon 816 of the BRIP1 protein (p.Trp816Cys). The tryptophan residue is highly conserved and there is a large physicochemical difference between tryptophan and cysteine.

NM_032043.3(BRIP1):c.2448G>T (p.Trp816Cys)

Gene: BRIP1 (BRCA1 interacting DNA helicase 1; minus strand). Cytogenetic location: 17q23.2.
Variant type: single nucleotide variant.
Coding change: c.2448G>T on transcript NM_032043.3 (MANE Select); coding-DNA position 2448, G replaced by T.
Protein change: p.Trp816Cys; replaces tryptophan 816 with cysteine.
Molecular consequence: missense variant.
Genome position (GRCh38, 1-based): chr17:61,715,995, C>A on the plus strand (G>T on the coding strand, the complement: BRIP1 is on the minus strand). VCF-style: chr17-61715995-C-A. GRCh37 (hg19) VCF-style: chr17-59793356-C-A.
Other names: short protein forms W816C.
Identifiers: ClinVar variation 821295 (VCV000821295.14), dbSNP rs1064795352, ClinGen allele CA400479574.